The following is an entry in ClinVar:

ClinVar aggregate classification (germline): Uncertain significance (1 of 4 stars; one submission).

Conditions:
Epidermolysis bullosa simplex with nail dystrophy (EBS5D). Identifiers: MedGen C4225309, MONDO:0014661, OMIM 616487.
Epidermolysis bullosa simplex, Ogna type (EBS5A). Also called: EPIDERMOLYSIS BULLOSA SIMPLEX 5A, OGNA TYPE; Pidermolysis bullosa simplex 5A, Ogna type. Identifiers: Orphanet 79401, MedGen C0432317, MONDO:0007555, OMIM 131950.
Autosomal recessive limb-girdle muscular dystrophy type 2Q (LGMDR17). Also called: MUSCULAR DYSTROPHY, LIMB-GIRDLE, AUTOSOMAL RECESSIVE 17. Identifiers: Orphanet 254361, MedGen C3150989, MONDO:0013390, OMIM 613723.
Epidermolysis bullosa simplex 5B, with muscular dystrophy (EBS5B). Also called: EPIDERMOLYSIS BULLOSA SIMPLEX AND LIMB-GIRDLE MUSCULAR DYSTROPHY; Epidermolysis bullosa simplex with muscular dystrophy. Identifiers: Orphanet 257, MedGen C2931072, MONDO:0009181, OMIM 226670.
Epidermolysis bullosa simplex 5C, with pyloric atresia (EBS5C). Also called: PLEC1-Related Epidermolysis Bullosa with Pyloric Atresia; PLEC-Related Epidermolysis Bullosa with Pyloric Atresia; Epidermolysis bullosa simplex with pyloric atresia. Identifiers: Orphanet 158684, MedGen C2677349, MONDO:0012807, OMIM 612138.

gnomAD v4.1: 1 of 1,612,704 alleles (0.000062%); highest among the groups gnomAD compares: African/African-American, 0.0013%; no homozygotes.

Submission:

Labcorp Genetics (formerly Invitae), Labcorp
Classification: Uncertain significance for Autosomal recessive limb-girdle muscular dystrophy type 2Q; Epidermolysis bullosa simplex, Ogna type; Epidermolysis bullosa simplex with nail dystrophy; Epidermolysis bullosa simplex 5C, with pyloric atresia; Epidermolysis bullosa simplex 5B, with muscular dystrophy. Last evaluated: 2024-10-26. Review status: criteria provided, single submitter. Criteria: Invitae Variant Classification Sherloc (09022015). Collection method: clinical testing. Allele origin: germline.
Comment: This sequence change replaces valine, which is neutral and non-polar, with glycine, which is neutral and non-polar, at codon 2770 of the PLEC protein (p.Val2770Gly). This variant is not present in population databases (gnomAD no frequency). This variant has not been reported in the literature in individuals affected with PLEC-related conditions. Invitae Evidence Modeling of protein sequence and biophysical properties (such as structural, functional, and spatial information, amino acid conservation, physicochemical variation, residue mobility, and thermodynamic stability) has been performed for this missense variant. However, the output from this modeling did not meet the statistical confidence thresholds required to predict the impact of this variant on PLEC protein function. In summary, the available evidence is currently insufficient to determine the role of this variant in disease. Therefore, it has been classified as a Variant of Uncertain Significance.

NM_201384.3(PLEC):c.8228T>G (p.Val2743Gly)

Gene: PLEC (plectin; minus strand). Cytogenetic location: 8q24.3.
Variant type: single nucleotide variant.
Coding change: c.8228T>G on transcript NM_201384.3 (MANE Select); coding-DNA position 8228, T replaced by G.
Protein change: p.Val2743Gly; replaces valine 2743 with glycine.
Molecular consequence: missense variant.
Genome position (GRCh38, 1-based): chr8:143,921,593, A>C on the plus strand (T>G on the coding strand, the complement: PLEC is on the minus strand). VCF-style: chr8-143921593-A-C. GRCh37 (hg19) VCF-style: chr8-144995761-A-C.
Other names: c.8639T>G, p.Val2880Gly (NM_201380.4); c.8132T>G, p.Val2711Gly (NM_201381.3); c.8228T>G, p.Val2743Gly (NM_201382.4); c.8240T>G, p.Val2747Gly (NM_201383.3); c.8309T>G, p.Val2770Gly (NM_000445.5); c.4928T>G, p.Val1643Gly (NM_001410941.1); c.8186T>G, p.Val2729Gly (NM_201378.4); c.8162T>G, p.Val2721Gly (NM_201379.3); short protein forms V1643G, V2711G, V2721G, V2729G, V2743G, V2747G, V2770G, V2880G.
Identifiers: ClinVar variation 3760810 (VCV003760810.2).